The following is an entry in ClinVar:

NM_000360.4(TH):c.837del (p.Lys280fs)

Gene: TH (tyrosine hydroxylase; minus strand). Cytogenetic location: 11p15.5.
Variant type: Deletion.
Coding change: c.837del on transcript NM_000360.4 (MANE Select); coding-DNA position 837, one base deleted (G; older notation c.837delG).
Protein change: p.Lys280fs; shifts the reading frame from lysine 280.
Molecular consequence: frameshift variant.
Genome position (GRCh38, 1-based): chr11:2,166,891, C deleted on the plus strand (G on the coding strand, the reverse complement: TH is on the minus strand). VCF-style (leftmost placement, unchanged base first): chr11-2166890-TC-T. GRCh37 (hg19) VCF-style: chr11-2188120-TC-T.
Other names: c.930del, p.Lys311fs (NM_199292.3); c.918del, p.Lys307fs (NM_199293.3); short protein forms K280fs, K307fs, K311fs.
Identifiers: ClinVar variation 2025524 (VCV002025524.4), dbSNP rs2495805003, ClinGen allele CA2580082663.

ClinVar aggregate classification (germline): Pathogenic (1 of 4 stars; one submission).

Conditions:
TH-deficient dopa-responsive dystonia. Also called: Tyrosine Hydroxylase-Deficient Dopa-Responsive Dystonia; Segawa syndrome, autosomal recessive; DYT-TH. Identifiers: Orphanet 101150, MedGen C2673535, MONDO:0011551, OMIM 605407.

Submission:

Labcorp Genetics (formerly Invitae), Labcorp
Classification: Pathogenic for TH-deficient dopa-responsive dystonia. Last evaluated: 2022-08-21. Review status: criteria provided, single submitter. Criteria: Invitae Variant Classification Sherloc (09022015). Collection method: clinical testing. Allele origin: germline.
Comment: This variant is not present in population databases (gnomAD no frequency). This variant has not been reported in the literature in individuals affected with TH-related conditions. This sequence change creates a premature translational stop signal (p.Lys311Argfs*106) in the TH gene. It is expected to result in an absent or disrupted protein product. Loss-of-function variants in TH are known to be pathogenic (PMID: 22264700, 24753243). For these reasons, this variant has been classified as Pathogenic.

Literature cited by the submitters: PubMed 22264700; PubMed 24753243.